The following is an entry in ClinVar:

NM_000051.3:c.2852_2853insAlu

Gene: ATM (ATM serine/threonine kinase; plus strand). Cytogenetic location: 11q22.3.
Variant type: Insertion.
Identifiers: ClinVar variation 870264 (VCV000870264.1).

ClinVar aggregate classification (germline): Pathogenic (1 of 4 stars; one submission).

Conditions:
Ataxia-telangiectasia syndrome (AT). Also called: Cerebello-oculocutaneous telangiectasia; Immunodeficiency with ataxia telangiectasia; Ataxia-telangiectasia, complementation group D; AT, COMPLEMENTATION GROUP C; Ataxia-telangiectasia; LOUIS-BAR SYNDROME. Identifiers: Orphanet 100, MedGen C0004135, MONDO:0008840, OMIM 208900.

Submission:

Labcorp Genetics (formerly Invitae), Labcorp
Classification: Pathogenic for Ataxia-telangiectasia syndrome. Last evaluated: 2019-12-15. Review status: criteria provided, single submitter. Criteria: Invitae Variant Classification Sherloc (09022015). Collection method: clinical testing. Allele origin: germline.
Comment: This sequence change is an Alu-mediated insertion in exon 19 of the ATM mRNA (c.2852_2853insAlu), causing a frameshift at codon 951 (p.Leu951fs). The exact size and sequence of the insertion cannot be determined by the current assay. However, the insertion is expected to result in an absent or disrupted protein product. This variant is not present in population databases (ExAC no frequency). This variant has not been reported in the literature in individuals with ATM-related conditions. Retrotransposon insertions including LINE1 (L1), Alu, and SVA (SINE-VNTR-Alu) have been reported to be disease-causing through disruption of either a coding region or splice site (PMID: 19763152, 20307669, 22406018) and loss-of-function variants in ATM are known to be pathogenic (PMID: 23807571, 25614872). For these reasons, this variant has been classified as Pathogenic.

Literature cited by the submitters: PubMed 25614872; PubMed 20307669; PubMed 22406018; PubMed 23807571; PubMed 19763152.